The following is an entry in ClinVar:

NM_004329.3(BMPR1A):c.1122G>A (p.Gly374=)

Gene: BMPR1A (bone morphogenetic protein receptor type 1A; plus strand). Cytogenetic location: 10q23.2.
Variant type: single nucleotide variant.
Coding change: c.1122G>A on transcript NM_004329.3 (MANE Select); coding-DNA position 1122, G replaced by A.
Protein change: p.Gly374=; no amino-acid change (glycine 374 retained).
Molecular consequence: synonymous variant.
Genome position (GRCh38, 1-based): chr10:86,919,425, G>A. VCF-style: chr10-86919425-G-A. GRCh37 (hg19) VCF-style: chr10-88679182-G-A.
Identifiers: ClinVar variation 794314 (VCV000794314.16), dbSNP rs1589291806, ClinGen allele CA470373415.
Genomic context (GRCh38, chr10:86,919,425, plus strand): 5'-AAAGCCCGCAATTGCTCATCGAGACCTAAAGAGCAAAAACATCCTCATCAAGAAAAATGG[G>A]AGTTGCTGCATTGCTGACCTGGGCCTTGCTGTTAAATTCAACAGGTGAGTGGTTCTTTGC-3'
Protein context (NP_004320.2, residues 364-384): KSKNILIKKN[Gly374=]SCCIADLGLA

ClinVar aggregate classification (germline): Benign/Likely benign. Review status: criteria provided, multiple submitters, no conflicts (2 of 4 stars). 5 submissions from 5 submitters: Benign (1); Likely benign (4). Last evaluated 2025-07-31.

Conditions:
Hereditary cancer-predisposing syndrome. Also called: Neoplastic Syndromes, Hereditary; Hereditary Cancer Syndrome; Tumor predisposition; Hereditary neoplastic syndrome. Identifiers: Orphanet 140162, MedGen C0027672, MeSH D009386, MONDO:0015356.
Juvenile polyposis syndrome (JPS). Identifiers: Orphanet 2929, MedGen C0345893, MONDO:0017380, OMIM 174900.

Allele frequency attached by ClinVar (database versions not stated): gnomAD exomes below 0.00001; TOPMed below 0.00001.

Submissions (5):

Labcorp Genetics (formerly Invitae), Labcorp
Classification: Likely benign for Juvenile polyposis syndrome. Last evaluated: 2025-07-31. Review status: criteria provided, single submitter. Criteria: Invitae Variant Classification Sherloc (09022015). Collection method: clinical testing. Allele origin: germline.

All of Us Research Program, National Institutes of Health
Classification: Likely benign for Juvenile polyposis syndrome. Last evaluated: 2024-09-23. Review status: criteria provided, single submitter. Criteria: ACMG Guidelines, 2015. Collection method: clinical testing. Allele origin: germline. Inheritance: Autosomal dominant inheritance. Observed: 1 variant allele, 1 heterozygote.
Comment: This study involves interpretation of variants in research participants for the purpose of population health screening. Participant phenotype was not available at the time of variant classification. Additional details can be found in publication PMID: 35346344, PMCID: PMC8962531

Myriad Genetics, Inc.
Classification: Benign for Juvenile polyposis syndrome. Last evaluated: 2024-08-06. Review status: criteria provided, single submitter. Criteria: Myriad Autosomal Dominant, Autosomal Recessive and X-Linked Classification Criteria (2023). Collection method: clinical testing. Allele origin: unknown.
Comment: This variant is considered benign. This variant is a silent/synonymous amino acid change and it is not expected to impact splicing.

Color Diagnostics, LLC DBA Color Health
Classification: Likely benign for Hereditary cancer-predisposing syndrome. Last evaluated: 2021-11-12. Review status: criteria provided, single submitter. Criteria: ACMG Guidelines, 2015. Collection method: clinical testing. Allele origin: germline.

Ambry Genetics
Classification: Likely benign for Hereditary cancer-predisposing syndrome. Last evaluated: 2020-09-22. Review status: criteria provided, single submitter. Criteria: Ambry Variant Classification Scheme 2023. Collection method: clinical testing. Allele origin: germline.